The following is an entry in ClinVar:

ClinVar aggregate classification (germline): Benign. Review status: criteria provided, multiple submitters, no conflicts (2 of 4 stars). 2 submissions from 2 submitters: Benign (2). Last evaluated 2016-03-29.

Allele frequency attached by ClinVar (database versions not stated): gnomAD exomes 0.23877 and 0.25179; ExAC 0.30088; ESP Exome Variant Server 0.32229; gnomAD 0.32376 and 0.32897; TOPMed 0.33727; 1000 Genomes Project 0.35803; 1000 Genomes Project 30x 0.36774.
gnomAD v4.1: 397,885 of 1,606,932 alleles (25%); highest among the groups gnomAD compares: African/African-American, 56%; 53,179 homozygotes.

Submissions (2):

Laboratory for Molecular Medicine, Mass General Brigham Personalized Medicine
Classification: Benign. Last evaluated: 2016-03-29. Review status: criteria provided, single submitter. Criteria: LMM Criteria. Collection method: clinical testing. Allele origin: germline.
Comment: Variant identified in a genome or exome case(s) and assessed due to predicted null impact of the variant or pathogenic assertions in the literature or databases. Disclaimer: This variant has not undergone full assessment. The following are preliminary notes: Frequency

Breakthrough Genomics
Classification: Benign. Review status: criteria provided, single submitter. Criteria: ACMG Guidelines, 2015. Collection method: not provided. Allele origin: germline. Inheritance: Autosomal recessive inheritance. Affected: yes.

NM_001372106.1(DNAH10):c.9741A>G (p.Ala3247=)

Gene: DNAH10 (dynein axonemal heavy chain 10; plus strand). Cytogenetic location: 12q24.31.
Variant type: single nucleotide variant.
Coding change: c.9741A>G on transcript NM_001372106.1 (MANE Select); coding-DNA position 9741, A replaced by G.
Protein change: p.Ala3247=; no amino-acid change (alanine 3247 retained).
Molecular consequence: synonymous variant.
Genome position (GRCh38, 1-based): chr12:123,903,039, A>G. VCF-style: chr12-123903039-A-G. GRCh37 (hg19) VCF-style: chr12-124387586-A-G.
Other names: c.9387A>G, p.Ala3129= (NM_207437.3).
Identifiers: ClinVar variation 402622 (VCV000402622.5), dbSNP rs61587964, ClinGen allele CA6865168.